The following is an entry in ClinVar:

NM_001035.3(RYR2):c.7029T>A (p.Leu2343=)

Gene: RYR2 (ryanodine receptor 2; plus strand). Cytogenetic location: 1q43.
Variant type: single nucleotide variant.
Coding change: c.7029T>A on transcript NM_001035.3 (MANE Select); coding-DNA position 7029, T replaced by A.
Protein change: p.Leu2343=; no amino-acid change (leucine 2343 retained).
Molecular consequence: synonymous variant.
Genome position (GRCh38, 1-based): chr1:237,639,115, T>A. VCF-style: chr1-237639115-T-A. GRCh37 (hg19) VCF-style: chr1-237802415-T-A.
Identifiers: ClinVar variation 698697 (VCV000698697.16), dbSNP rs1376856675, ClinGen allele CA423819051.

ClinVar aggregate classification (germline): Likely benign. Review status: criteria provided, multiple submitters, no conflicts (2 of 4 stars). 4 submissions from 4 submitters: Likely benign (4). Last evaluated 2025-11-26.

Conditions:
Catecholaminergic polymorphic ventricular tachycardia (CVPT). Also called: Catecholamine-induced polymorphic ventricular tachycardia. Identifiers: Orphanet 3286, MedGen C5574922, MONDO:0017990.
Cardiomyopathy (CMYO). Also called: Cardiomyopathies. Identifiers: Orphanet 167848, MedGen C0878544, MONDO:0004994, HP:0001638. Inheritance: Various modes of inheritance.
Cardiovascular phenotype. Identifiers: MedGen CN230736.
Catecholaminergic polymorphic ventricular tachycardia 1. Also called: VENTRICULAR TACHYCARDIA, CATECHOLAMINERGIC POLYMORPHIC, 1, WITH OR WITHOUT ATRIAL DYSFUNCTION AND/OR DILATED CARDIOMYOPATHY; VENTRICULAR TACHYCARDIA, STRESS-INDUCED POLYMORPHIC 1; RYR2-Related Catecholaminergic Polymorphic Ventricular Tachycardia. Identifiers: Orphanet 3286, MedGen C1631597, MONDO:0011484, OMIM 604772.

Allele frequency attached by ClinVar (database versions not stated): gnomAD exomes below 0.00001; TOPMed below 0.00001; gnomAD 0.00001.
gnomAD v4.1: 4 of 1,613,824 alleles (0.00025%); highest among the groups gnomAD compares: Non-Finnish European, 0.00025%; no homozygotes.

Submissions (4):

Labcorp Genetics (formerly Invitae), Labcorp
Classification: Likely benign for Catecholaminergic polymorphic ventricular tachycardia 1. Last evaluated: 2025-11-26. Review status: criteria provided, single submitter. Criteria: Invitae Variant Classification Sherloc (09022015). Collection method: clinical testing. Allele origin: germline.

All of Us Research Program, National Institutes of Health
Classification: Likely benign for Catecholaminergic polymorphic ventricular tachycardia. Last evaluated: 2024-02-05. Review status: criteria provided, single submitter. Criteria: ACMG Guidelines, 2015. Collection method: clinical testing. Allele origin: germline. Inheritance: Autosomal dominant inheritance. Observed: 5 variant alleles, 5 heterozygotes.
Comment: This study involves interpretation of variants in research participants for the purpose of population health screening. Participant phenotype was not available at the time of variant classification. Additional details can be found in publication PMID: 35346344, PMCID: PMC8962531

Ambry Genetics
Classification: Likely benign for Cardiovascular phenotype. Last evaluated: 2022-02-02. Review status: criteria provided, single submitter. Criteria: Ambry Variant Classification Scheme 2023. Collection method: clinical testing. Allele origin: germline.

Color Diagnostics, LLC DBA Color Health
Classification: Likely benign for Cardiomyopathy. Last evaluated: 2018-11-08. Review status: criteria provided, single submitter. Criteria: ACMG Guidelines, 2015. Collection method: clinical testing. Allele origin: germline.